The following is an entry in ClinVar:

NM_000245.4(MET):c.3467T>G (p.Val1156Gly)

Gene: MET (MET proto-oncogene, receptor tyrosine kinase; plus strand). Cytogenetic location: 7q31.2.
Variant type: single nucleotide variant.
Coding change: c.3467T>G on transcript NM_000245.4 (MANE Select); coding-DNA position 3467, T replaced by G.
Protein change: p.Val1156Gly; replaces valine 1156 with glycine.
Molecular consequence: missense variant.
Genome position (GRCh38, 1-based): chr7:116,778,902, T>G. VCF-style: chr7-116778902-T-G. GRCh37 (hg19) VCF-style: chr7-116418956-T-G.
Other names: c.3521T>G, p.Val1174Gly (NM_001127500.3); c.2177T>G, p.Val726Gly (NM_001324402.2); short protein forms V1156G, V1174G, V726G.
Identifiers: ClinVar variation 4812266 (VCV004812266.1).

ClinVar aggregate classification (germline): Uncertain significance (1 of 4 stars; one submission).

Conditions:
Renal cell carcinoma. Identifiers: Orphanet 217071, MedGen C0007134, MeSH D002292, MONDO:0005086, HP:0005584.

Submission:

Labcorp Genetics (formerly Invitae), Labcorp
Classification: Uncertain significance for Renal cell carcinoma. Last evaluated: 2025-05-25. Review status: criteria provided, single submitter. Criteria: Invitae Variant Classification Sherloc (09022015). Collection method: clinical testing. Allele origin: germline.
Comment: This sequence change replaces valine, which is neutral and non-polar, with glycine, which is neutral and non-polar, at codon 1174 of the MET protein (p.Val1174Gly). This variant is not present in population databases (gnomAD no frequency). This variant has not been reported in the literature in individuals affected with MET-related conditions. Invitae Evidence Modeling of protein sequence and biophysical properties (such as structural, functional, and spatial information, amino acid conservation, physicochemical variation, residue mobility, and thermodynamic stability) indicates that this missense variant is expected to disrupt MET protein function with a positive predictive value of 80%. In summary, the available evidence is currently insufficient to determine the role of this variant in disease. Therefore, it has been classified as a Variant of Uncertain Significance.